The following is an entry in ClinVar:

ClinVar aggregate classification (germline): Uncertain significance. Review status: criteria provided, multiple submitters, no conflicts (2 of 4 stars). 2 submissions from 2 submitters: Uncertain significance (2). Last evaluated 2025-01-27.

Conditions:
Hereditary cancer-predisposing syndrome. Also called: Tumor predisposition; Neoplastic Syndromes, Hereditary; Hereditary neoplastic syndrome; Hereditary Cancer Syndrome. Identifiers: Orphanet 140162, MedGen C0027672, MeSH D009386, MONDO:0015356.

Submissions (2):

Women's Health and Genetics/Laboratory Corporation of America, LabCorp
Classification: Uncertain significance. Last evaluated: 2025-01-27. Review status: criteria provided, single submitter. Criteria: LabCorp Variant Classification Summary - May 2015. Collection method: clinical testing. Allele origin: germline.
Comment: Variant summary: BRCA2 c.9865T>C (p.Phe3289Leu) results in a non-conservative amino acid change located in the BRCA2 TR2 domain (IPR055077) of the encoded protein sequence. Three of five in-silico tools predict a benign effect of the variant on protein function. The variant was absent in 251240 control chromosomes. The available data on variant occurrences in the general population are insufficient to allow any conclusion about variant significance. To our knowledge, no occurrence of c.9865T>C in individuals affected with BRCA2-related conditions and no experimental evidence demonstrating its impact on protein function have been reported. ClinVar contains an entry for this variant (Variation ID: 495524). Based on the evidence outlined above, the variant was classified as uncertain significance.

Ambry Genetics
Classification: Uncertain significance for Hereditary cancer-predisposing syndrome. Last evaluated: 2023-08-07. Review status: criteria provided, single submitter. Criteria: Ambry Variant Classification Scheme 2023. Collection method: clinical testing. Allele origin: germline.
Comment: The p.F3289L variant (also known as c.9865T>C), located in coding exon 26 of the BRCA2 gene, results from a T to C substitution at nucleotide position 9865. The phenylalanine at codon 3289 is replaced by leucine, an amino acid with highly similar properties. This amino acid position is well conserved in available vertebrate species. In addition, this alteration is predicted to be tolerated by in silico analysis. Since supporting evidence is limited at this time, the clinical significance of this alteration remains unclear.

NM_000059.4(BRCA2):c.9865T>C (p.Phe3289Leu)

Gene: BRCA2 (BRCA2 DNA repair associated; plus strand). Cytogenetic location: 13q13.1.
Variant type: single nucleotide variant.
Coding change: c.9865T>C on transcript NM_000059.4 (MANE Select); coding-DNA position 9865, T replaced by C.
Protein change: p.Phe3289Leu; replaces phenylalanine 3289 with leucine.
Molecular consequence: missense variant.
Genome position (GRCh38, 1-based): chr13:32,398,378, T>C. VCF-style: chr13-32398378-T-C. GRCh37 (hg19) VCF-style: chr13-32972515-T-C.
Other names: short protein forms F3289L.
Identifiers: ClinVar variation 495524 (VCV000495524.5), dbSNP rs1555289980, ClinGen allele CA387766598.